The following is an entry in ClinVar:

ClinVar aggregate classification (germline): Conflicting classifications of pathogenicity. Review status: criteria provided, conflicting classifications (1 of 4 stars). 3 submissions from 3 submitters: Uncertain significance (2); Likely benign (1). Last evaluated 2026-06-01.

Conditions:
Inborn genetic diseases. Identifiers: MedGen C0950123, MeSH D030342.
CHARGE syndrome (CHARGE). Also called: Hittner Hirsch Kreh syndrome; CHARGE ASSOCIATION--COLOBOMA, HEART ANOMALY, CHOANAL ATRESIA, RETARDATION, GENITAL AND EAR ANOMALIES; Coloboma, heart anomaly, choanal atresia, retardation, genital and ear anomalies; CHARGE association; Hall-Hittner syndrome. Identifiers: Orphanet 138, MedGen C0265354, MONDO:0008965.

Allele frequency attached by ClinVar (database versions not stated): gnomAD 0.00001.
gnomAD v4.1: 1 of 1,612,166 alleles (0.000062%); highest among the groups gnomAD compares: Admixed American, 0.0017%; no homozygotes.

Submissions (3):

CeGaT Center for Human Genetics Tuebingen
Classification: Uncertain significance. Last evaluated: 2026-06-01. Review status: criteria provided, single submitter. Criteria: CeGaT Center For Human Genetics Tuebingen Variant Classification Criteria Version 2. Collection method: clinical testing. Allele origin: germline. Affected: yes. Observed: 1 variant allele.
Comment: CHD7: PM2

Ambry Genetics
Classification: Uncertain significance for Inborn genetic diseases. Last evaluated: 2025-12-11. Review status: criteria provided, single submitter. Criteria: Ambry Variant Classification Scheme 2023. Collection method: clinical testing. Allele origin: germline.

Labcorp Genetics (formerly Invitae), Labcorp
Classification: Likely benign for CHARGE syndrome. Last evaluated: 2025-01-01. Review status: criteria provided, single submitter. Criteria: Invitae Variant Classification Sherloc (09022015). Collection method: clinical testing. Allele origin: germline.

NM_017780.4(CHD7):c.3804G>C (p.Glu1268Asp)

Gene: CHD7 (chromodomain helicase DNA binding protein 7; plus strand). Cytogenetic location: 8q12.2.
Variant type: single nucleotide variant.
Coding change: c.3804G>C on transcript NM_017780.4 (MANE Select); coding-DNA position 3804, G replaced by C.
Protein change: p.Glu1268Asp; replaces glutamic acid 1268 with aspartic acid.
Molecular consequence: missense variant. On other transcripts: intron variant (1).
Genome position (GRCh38, 1-based): chr8:60,836,098, G>C. VCF-style: chr8-60836098-G-C. GRCh37 (hg19) VCF-style: chr8-61748657-G-C.
Other names: c.1717-26131G>C (NM_001316690.1); c.3804G>C (NM_017780.3); short protein forms E1268D.
Identifiers: ClinVar variation 2852838 (VCV002852838.6), dbSNP rs1173472655, ClinGen allele CA371316141.